The following is an entry in ClinVar:

NM_001848.3(COL6A1):c.1398G>A (p.Pro466=)

Gene: COL6A1 (collagen type VI alpha 1 chain; plus strand). Cytogenetic location: 21q22.3.
Variant type: single nucleotide variant.
Coding change: c.1398G>A on transcript NM_001848.3 (MANE Select); coding-DNA position 1398, G replaced by A.
Protein change: p.Pro466=; no amino-acid change (proline 466 retained).
Molecular consequence: synonymous variant.
Genome position (GRCh38, 1-based): chr21:45,994,229, G>A. VCF-style: chr21-45994229-G-A. GRCh37 (hg19) VCF-style: chr21-47414143-G-A.
Other names: c.1398G>A (NM_001848.2).
Identifiers: ClinVar variation 284825 (VCV000284825.50), dbSNP rs886042955, ClinGen allele CA10604919.

ClinVar aggregate classification (germline): Uncertain significance. Review status: criteria provided, multiple submitters, no conflicts (2 of 4 stars). 5 submissions from 5 submitters: Uncertain significance (4). 1 of the submissions does not count toward it. Last evaluated 2026-01-22.

Conditions:
COL6A1-related disorder. Also called: COL6A1-related condition.
Bethlem myopathy 1A. Also called: Bethlem myopathy 1; Bethlem Muscular Dystrophy; MYOPATHY, BENIGN CONGENITAL, WITH CONTRACTURES. Identifiers: Orphanet 610, MedGen CN029274, MONDO:0024530, OMIM 158810.

Allele frequency attached by ClinVar (database versions not stated): gnomAD exomes below 0.00001.
gnomAD v4.1: 2 of 1,608,994 alleles (0.00012%); highest among the groups gnomAD compares: Non-Finnish European, 0.00017%; no homozygotes.

Submissions (5):

GeneDx
Classification: Uncertain significance. Last evaluated: 2026-01-22. Review status: criteria provided, single submitter. Criteria: GeneDx Variant Classification Process June 2021. Collection method: clinical testing. Allele origin: germline.
Comment: Not observed at significant frequency in large population cohorts (gnomAD); In silico analysis supports a deleterious effect on splicing; Has not been previously published as pathogenic or benign to our knowledge

Labcorp Genetics (formerly Invitae), Labcorp
Classification: Uncertain significance for Bethlem myopathy 1A. Last evaluated: 2025-03-06. Review status: criteria provided, single submitter. Criteria: Invitae Variant Classification Sherloc (09022015). Collection method: clinical testing. Allele origin: germline.
Comment: This sequence change affects codon 466 of the COL6A1 mRNA. It is a 'silent' change, meaning that it does not change the encoded amino acid sequence of the COL6A1 protein. This variant also falls at the last nucleotide of exon 20, which is part of the consensus splice site for this exon. This variant is not present in population databases (gnomAD no frequency). This variant has not been reported in the literature in individuals affected with COL6A1-related conditions. ClinVar contains an entry for this variant (Variation ID: 284825). Variants that disrupt the consensus splice site are a relatively common cause of aberrant splicing (PMID: 17576681, 9536098). Algorithms developed to predict the effect of sequence changes on RNA splicing suggest that this variant may disrupt the consensus splice site. In summary, the available evidence is currently insufficient to determine the role of this variant in disease. Therefore, it has been classified as a Variant of Uncertain Significance.

CeGaT Center for Human Genetics Tuebingen
Classification: Uncertain significance. Last evaluated: 2020-09-01. Review status: criteria provided, single submitter. Criteria: CeGaT Center For Human Genetics Tuebingen Variant Classification Criteria Version 2. Collection method: clinical testing. Allele origin: germline. Affected: yes. Observed: 1 variant allele.

Eurofins Ntd Llc (ga)
Classification: Uncertain significance. Last evaluated: 2015-12-16. Review status: criteria provided, single submitter. Criteria: EGL Classification Definitions 2015. Collection method: clinical testing. Allele origin: germline. Observed: 1 variant allele, 1 heterozygote.

PreventionGenetics, part of Exact Sciences
Classification: Uncertain significance for COL6A1-related condition. Last evaluated: 2024-09-26. Review status: no assertion criteria provided. Collection method: clinical testing. Allele origin: germline. Not counted in ClinVar's aggregate classification.
Comment: The COL6A1 c.1398G>A variant is not predicted to result in an amino acid change (p.=). This variant is predicted to decrease the strength of the nearby splice donor and may result in aberrant splicing (SpliceAI, Jaganathan, et al. 2019. PubMed ID: 30661751). To our knowledge, this variant has not been reported in the literature or in a large population database, indicating this variant is rare. At this time, the clinical significance of this variant is uncertain due to the absence of conclusive functional and genetic evidence.

Literature cited by the submitters: PubMed 17576681 (cited by Labcorp Genetics (formerly Invitae), Labcorp); PubMed 9536098 (cited by Labcorp Genetics (formerly Invitae), Labcorp).